The following is an entry in ClinVar:

NM_005060.4(RORC):c.1288C>T (p.Arg430Trp)

Gene: RORC (RAR related orphan receptor C; minus strand). Cytogenetic location: 1q21.3.
Variant type: single nucleotide variant.
Coding change: c.1288C>T on transcript NM_005060.4 (MANE Select); coding-DNA position 1288, C replaced by T.
Protein change: p.Arg430Trp; replaces arginine 430 with tryptophan.
Molecular consequence: missense variant.
Genome position (GRCh38, 1-based): chr1:151,811,432, G>A on the plus strand (C>T on the coding strand, the complement: RORC is on the minus strand). VCF-style: chr1-151811432-G-A. GRCh37 (hg19) VCF-style: chr1-151783908-G-A.
Other names: c.1225C>T, p.Arg409Trp (NM_001001523.2); short protein forms R409W, R430W.
Identifiers: ClinVar variation 1060567 (VCV001060567.9), dbSNP rs1222050210, ClinGen allele CA342010244.

ClinVar aggregate classification (germline): Uncertain significance (1 of 4 stars; one submission).

Conditions:
Autosomal recessive mendelian susceptibility to mycobacterial diseases due to complete RORgamma receptor deficiency. Also called: Immunodeficiency 42. Identifiers: Orphanet 477857, MedGen C5567647, MONDO:0014710, OMIM 616622.

gnomAD v4.1: 1 of 1,601,454 alleles (0.000062%); highest among the groups gnomAD compares: Non-Finnish European, 0.000086%; no homozygotes.

Submission:

Labcorp Genetics (formerly Invitae), Labcorp
Classification: Uncertain significance for Autosomal recessive mendelian susceptibility to mycobacterial diseases due to complete RORgamma receptor deficiency. Last evaluated: 2022-12-06. Review status: criteria provided, single submitter. Criteria: Invitae Variant Classification Sherloc (09022015). Collection method: clinical testing. Allele origin: germline.
Comment: This variant has not been reported in the literature in individuals affected with RORC-related conditions. This sequence change replaces arginine, which is basic and polar, with tryptophan, which is neutral and slightly polar, at codon 430 of the RORC protein (p.Arg430Trp). This variant is not present in population databases (gnomAD no frequency). ClinVar contains an entry for this variant (Variation ID: 1060567). Algorithms developed to predict the effect of missense changes on protein structure and function are either unavailable or do not agree on the potential impact of this missense change (SIFT: "Deleterious"; PolyPhen-2: "Probably Damaging"; Align-GVGD: "Class C15"). In summary, the available evidence is currently insufficient to determine the role of this variant in disease. Therefore, it has been classified as a Variant of Uncertain Significance.